The following is an entry in ClinVar:

NM_001267550.2(TTN):c.46351G>T (p.Asp15451Tyr)

Genes: TTN (titin; minus strand), TTN-AS1 (TTN antisense RNA 1; plus strand). Cytogenetic location: 2q31.2.
Variant type: single nucleotide variant.
Coding change: c.46351G>T on transcript NM_001267550.2 (MANE Select); coding-DNA position 46351, G replaced by T.
Protein change: p.Asp15451Tyr; replaces aspartic acid 15451 with tyrosine.
Molecular consequence: missense variant. On other transcripts: non-coding transcript variant (1).
Genome position (GRCh38, 1-based): chr2:178,620,066, C>A on the plus strand (G>T on the coding strand, the complement: TTN is on the minus strand). VCF-style: chr2-178620066-C-A. GRCh37 (hg19) VCF-style: chr2-179484793-C-A.
Other names: c.41428G>T, p.Asp13810Tyr (NM_001256850.1); c.19156G>T, p.Asp6386Tyr (NM_003319.4); c.38647G>T, p.Asp12883Tyr (NM_133378.4); c.19531G>T, p.Asp6511Tyr (NM_133432.3); c.19732G>T, p.Asp6578Tyr (NM_133437.4); short protein forms D13810Y, D12883Y, D6578Y, D6511Y, D15451Y, D6386Y.
Identifiers: ClinVar variation 681039 (VCV000681039.1), dbSNP rs1576541228, ClinGen allele CA349627216.

ClinVar aggregate classification (germline): Likely benign (1 of 4 stars; one submission).

Allele frequency attached by ClinVar (database versions not stated): gnomAD exomes below 0.00001; TOPMed below 0.00001.
gnomAD v4.1: 6 of 1,611,884 alleles (0.00037%); highest among the groups gnomAD compares: Non-Finnish European, 0.00051%; no homozygotes.

Submission:

GeneDx
Classification: Likely benign. Last evaluated: 2018-03-29. Review status: criteria provided, single submitter. Criteria: GeneDx Variant Classification (06012015). Collection method: clinical testing. Allele origin: germline. Affected: yes.
Comment: This variant is considered likely benign or benign based on one or more of the following criteria: it is a conservative change, it occurs at a poorly conserved position in the protein, it is predicted to be benign by multiple in silico algorithms, and/or has population frequency not consistent with disease.